The following is an entry in ClinVar:

ClinVar aggregate classification (germline): Pathogenic. Review status: criteria provided, single submitter (1 of 4 stars). 2 submissions from 2 submitters: Pathogenic (1). 1 of the submissions does not count toward it.

Conditions:
Heinz body anemia. Also called: Heinz body hemolytic anemia. Identifiers: Orphanet 178330, MedGen C0700299, MONDO:0007705, OMIM 140700, HP:0005511.
Erythrocytosis, familial, 6. Also called: ERYTHROCYTOSIS, BETA-GLOBIN TYPE; POLYCYTHEMIA, BETA-GLOBIN TYPE. Identifiers: MedGen C4693822, MONDO:0054801, OMIM 617980.
Dominant beta-thalassemia. Also called: Beta-thalassemia, dominant inclusion body type. Identifiers: Orphanet 231226, Orphanet 848, MedGen C1858990, MONDO:0011381, OMIM 603902.
Hereditary persistence of fetal hemoglobin. Identifiers: MedGen C0019025, MONDO:0020989, OMIM 141749.
Beta-thalassemia HBB/LCRB. Identifiers: MedGen CN322236, MONDO:0013517, OMIM 613985.
Hb SS disease (SCD). Also called: Hemoglobin SS; Sickle cell anemia; Sickle cell disease; HbS disease; Hemoglobin S Disease; Sickling disorder due to hemoglobin S. Identifiers: Orphanet 232, Orphanet 275752, MedGen C0002895, MONDO:0011382, OMIM 603903.
Malaria, susceptibility to. Identifiers: Orphanet 673, MedGen C1970028, MONDO:0021024, OMIM 611162.
METHEMOGLOBINEMIA, BETA TYPE. Also called: Methemoglobinemia, beta-globin type. Identifiers: MedGen C1840779, OMIM 617971.
beta Thalassemia (BTHAL). Also called: Cooley's anemia; Erythroblastic anemia; Mediterranean anemia. Identifiers: Orphanet 848, MedGen C0005283, MONDO:0019402. Disease mechanism: loss of function.

Submissions (2):

Juno Genomics, Hangzhou Juno Genomics, Inc
Classification: Pathogenic for Hb SS disease; Erythrocytosis, familial, 6; Malaria, susceptibility to; Hereditary persistence of fetal hemoglobin; Heinz body anemia; METHEMOGLOBINEMIA, BETA TYPE; Beta-thalassemia HBB/LCRB; Dominant beta-thalassemia. Review status: criteria provided, single submitter. Criteria: ACMG Guidelines, 2015. Collection method: clinical testing. Allele origin: germline.
Comment: Absent from controls (or at extremely low frequency if recessive) in Genome Aggregation Database.;Null variant in a gene where loss of function (LOF) is a known mechanism of disease.;The prevalence of the variant in affected individuals is significantly increased compared to the prevalence in controls.

The ITHANET community portal, The Cyprus Institute of Neurology and Genetics
Classification: Pathogenic for beta Thalassemia. Last evaluated: 2019-11-25. Review status: no assertion criteria provided. Collection method: curation. Allele origin: germline. Not counted in ClinVar's aggregate classification.

Literature cited by the submitters: PubMed 8856098 (cited by The ITHANET community portal, The Cyprus Institute of Neurology and Genetics).

NM_000518.5(HBB):c.165del (p.Met56fs)

Genes: HBB (hemoglobin subunit beta; minus strand), LOC106099062 (HBB recombination region; plus strand), LOC107133510 (origin of replication at HBB; plus strand). Cytogenetic location: 11p15.4.
Variant type: Deletion.
Coding change: c.165del on transcript NM_000518.5 (MANE Select); coding-DNA position 165, one base deleted (T; older notation c.165delT).
Protein change: p.Met56fs; shifts the reading frame from methionine 56.
Molecular consequence: frameshift variant.
Genome position (GRCh38, 1-based): chr11:5,226,727, A deleted on the plus strand (T on the coding strand, the reverse complement: HBB is on the minus strand); the first of 2 consecutive A bases (chr11:5,226,727-5,226,728); deleting either gives the same sequence. VCF-style (leftmost placement, unchanged base first): chr11-5226726-TA-T. GRCh37 (hg19) VCF-style: chr11-5247956-TA-T.
Other names: CD 54 -T; short protein forms M56fs.
Identifiers: ClinVar variation 869347 (VCV000869347.4), dbSNP rs34960334, ClinGen allele CA217114283.